The following is an entry in ClinVar:

ClinVar aggregate classification (germline): Benign/Likely benign. Review status: criteria provided, multiple submitters, no conflicts (2 of 4 stars). 3 submissions from 3 submitters: Benign (1); Likely benign (2). Last evaluated 2025-01-08.

Conditions:
Hereditary nonpolyposis colorectal neoplasms. Identifiers: MedGen C0009405, MeSH D003123.
Hereditary cancer-predisposing syndrome. Also called: Hereditary Cancer Syndrome; Neoplastic Syndromes, Hereditary; Tumor predisposition; Hereditary neoplastic syndrome. Identifiers: Orphanet 140162, MedGen C0027672, MeSH D009386, MONDO:0015356.
Lynch syndrome 5 (LYNCH5). Also called: Colorectal cancer, hereditary nonpolyposis, type 5; Hereditary non-polyposis colorectal cancer, type 5. Identifiers: Orphanet 144, MedGen C1833477, MONDO:0013710, OMIM 614350. Disease mechanism: loss of function.

Submissions (3):

Myriad Genetics, Inc.
Classification: Benign for Lynch syndrome 5. Last evaluated: 2025-01-08. Review status: criteria provided, single submitter. Criteria: Myriad Autosomal Dominant, Autosomal Recessive and X-Linked Classification Criteria (2023). Collection method: clinical testing. Allele origin: unknown.
Comment: This variant is considered benign. This variant is a silent/synonymous amino acid change and it is not expected to impact splicing.

Labcorp Genetics (formerly Invitae), Labcorp
Classification: Likely benign for Hereditary nonpolyposis colorectal neoplasms. Last evaluated: 2018-05-08. Review status: criteria provided, single submitter. Criteria: Invitae Variant Classification Sherloc (09022015). Collection method: clinical testing. Allele origin: germline.

Ambry Genetics
Classification: Likely benign for Hereditary cancer-predisposing syndrome. Last evaluated: 2015-10-15. Review status: criteria provided, single submitter. Criteria: Ambry Variant Classification Scheme 2023. Collection method: clinical testing. Allele origin: germline.

NM_000179.3(MSH6):c.3855C>T (p.Phe1285=)

Gene: MSH6 (mutS homolog 6; plus strand). Cytogenetic location: 2p16.3.
Variant type: single nucleotide variant.
Coding change: c.3855C>T on transcript NM_000179.3 (MANE Select); coding-DNA position 3855, C replaced by T.
Protein change: p.Phe1285=; no amino-acid change (phenylalanine 1285 retained).
Molecular consequence: synonymous variant.
Genome position (GRCh38, 1-based): chr2:47,806,505, C>T. VCF-style: chr2-47806505-C-T. GRCh37 (hg19) VCF-style: chr2-48033644-C-T.
Other names: c.3465C>T, p.Phe1155= (NM_001281492.2); c.2949C>T, p.Phe983= (NM_001281493.2, NM_001281494.2).
Identifiers: ClinVar variation 479874 (VCV000479874.17), dbSNP rs1553333455, ClinGen allele CA426122124.